The following is an entry in ClinVar:

ClinVar aggregate classification (germline): Uncertain significance (1 of 4 stars; one submission).

Conditions:
Hereditary cancer-predisposing syndrome. Also called: Hereditary neoplastic syndrome; Neoplastic Syndromes, Hereditary; Tumor predisposition; Hereditary Cancer Syndrome. Identifiers: Orphanet 140162, MedGen C0027672, MeSH D009386, MONDO:0015356.

Submission:

Ambry Genetics
Classification: Uncertain significance for Hereditary cancer-predisposing syndrome. Last evaluated: 2025-08-27. Review status: criteria provided, single submitter. Criteria: Ambry Variant Classification Scheme 2023. Collection method: clinical testing. Allele origin: germline.
Comment: The p.Q71E variant (also known as c.211C>G), located in coding exon 3 of the MUTYH gene, results from a C to G substitution at nucleotide position 211. The glutamine at codon 71 is replaced by glutamic acid, an amino acid with highly similar properties. This amino acid position is conserved. In addition, this alteration is predicted to be tolerated by in silico analysis. Based on the available evidence, the clinical significance of this variant remains unclear.

NM_001048174.2(MUTYH):c.127C>G (p.Gln43Glu)

Gene: MUTYH (mutY DNA glycosylase; minus strand). Cytogenetic location: 1p34.1.
Variant type: single nucleotide variant.
Coding change: c.127C>G on transcript NM_001048174.2 (MANE Select); coding-DNA position 127, C replaced by G.
Protein change: p.Gln43Glu; replaces glutamine 43 with glutamic acid.
Molecular consequence: missense variant. On other transcripts: 5 prime UTR variant (1), non-coding transcript variant (5), intron variant (5).
Genome position (GRCh38, 1-based): chr1:45,333,550, G>C on the plus strand (C>G on the coding strand, the complement: MUTYH is on the minus strand). VCF-style: chr1-45333550-G-C. GRCh37 (hg19) VCF-style: chr1-45799222-G-C.
Other names: c.127C>G, p.Gln43Glu (NM_001048171.2, NM_001048173.2, NM_001293195.2 and 6 more transcripts); c.130C>G, p.Gln44Glu (NM_001048172.2, NM_001407071.1, NM_001407078.1 and 2 more transcripts); c.211C>G, p.Gln71Glu (NM_001128425.2); c.172C>G, p.Gln58Glu (NM_001293190.2); c.160C>G, p.Gln54Glu (NM_001293191.2, NM_001407077.1); c.-145C>G (NM_001350650.2); c.202C>G, p.Gln68Glu (NM_001407069.1, NM_012222.3); c.169C>G, p.Gln57Glu (NM_001407073.1, NM_001407083.1, NM_001407085.1); and 4 more; short protein forms Q15E, Q43E, Q58E, Q57E, Q71E, Q44E, Q50E, Q54E.
Identifiers: ClinVar variation 4113505 (VCV004113505.1).